The following is an entry in ClinVar:

ClinVar aggregate classification (germline): Likely benign. Review status: criteria provided, multiple submitters, no conflicts (2 of 4 stars). 2 submissions from 2 submitters: Likely benign (2). Last evaluated 2026-05-01.

Allele frequency attached by ClinVar (database versions not stated): ESP Exome Variant Server 0.00031.
gnomAD v4.1: 115 of 1,610,650 alleles (0.0071%); highest among the groups gnomAD compares: African/African-American, 0.024%; no homozygotes.

Submissions (2):

CeGaT Center for Human Genetics Tuebingen
Classification: Likely benign. Last evaluated: 2026-05-01. Review status: criteria provided, single submitter. Criteria: CeGaT Center For Human Genetics Tuebingen Variant Classification Criteria Version 2. Collection method: clinical testing. Allele origin: germline. Affected: yes. Observed: 1 variant allele.
Comment: DHX37: BP4, BP7

Labcorp Genetics (formerly Invitae), Labcorp
Classification: Likely benign. Last evaluated: 2022-07-17. Review status: criteria provided, single submitter. Criteria: Invitae Variant Classification Sherloc (09022015). Collection method: clinical testing. Allele origin: germline.

NM_032656.4(DHX37):c.633G>A (p.Pro211=)

Gene: DHX37 (DEAH-box helicase 37; minus strand). Cytogenetic location: 12q24.31.
Variant type: single nucleotide variant.
Coding change: c.633G>A on transcript NM_032656.4 (MANE Select); coding-DNA position 633, G replaced by A.
Protein change: p.Pro211=; no amino-acid change (proline 211 retained).
Molecular consequence: synonymous variant.
Genome position (GRCh38, 1-based): chr12:124,980,595, C>T on the plus strand (G>A on the coding strand, the complement: DHX37 is on the minus strand). VCF-style: chr12-124980595-C-T. GRCh37 (hg19) VCF-style: chr12-125465141-C-T.
Identifiers: ClinVar variation 2169076 (VCV002169076.6), dbSNP rs142273254, ClinGen allele CA6872396.
Genomic context (GRCh38, chr12:124,980,595, plus strand): 5'-AGCCAGGGCCCTGGGCAGTGGTGGGGCTGCAGCTGGAGGAGGAGGAACAGTCATCCCAGC[C>T]GGCACGGGCTGACTGCTGGGTGCTGGAGCTGGCGGCAGAGGTGCCACGGTGGTCCCCACA-3'
Protein context (NP_116045.2, residues 201-221): PAPAPSSQPV[Pro211=]AGMTVPPPPA